The following is an entry in ClinVar:

ClinVar aggregate classification (germline): Pathogenic (1 of 4 stars; one submission).

Conditions:
Dilated cardiomyopathy 1S (CMD1S). Identifiers: Orphanet 154, Orphanet 54260, MedGen C1834481, MONDO:0013262, OMIM 613426.

Submission:

Academic Center for Education, Culture and Research, Motamed Cancer Institute
Classification: Pathogenic for Dilated cardiomyopathy 1S. Last evaluated: 2019-01-20. Review status: criteria provided, single submitter. Criteria: ACMG Guidelines, 2015. Collection method: case-control. Allele origin: germline. Inheritance: Autosomal dominant inheritance. Affected: yes. Observed: 1 heterozygote.
Comment: A family with multiple patients affected with Left Ventricular NonCompaction (LVNC) was recruited. WES revealed a novel missense variation in MYH7 which is predicted to affect the catalytic domain of the protein. MYH7 has been previously reported as causative for this condition (Uro-Coste et al. (2009).

NM_000257.4(MYH7):c.1963C>A (p.Leu655Met)

Gene: MYH7 (myosin heavy chain 7; minus strand). Cytogenetic location: 14q11.2.
Variant type: single nucleotide variant.
Coding change: c.1963C>A on transcript NM_000257.4 (MANE Select); coding-DNA position 1963, C replaced by A.
Protein change: p.Leu655Met; replaces leucine 655 with methionine.
Molecular consequence: missense variant.
Genome position (GRCh38, 1-based): chr14:23,426,858, G>T on the plus strand (C>A on the coding strand, the complement: MYH7 is on the minus strand). VCF-style: chr14-23426858-G-T. GRCh37 (hg19) VCF-style: chr14-23896067-G-T.
Other names: short protein forms L655M.
Identifiers: ClinVar variation 619177 (VCV000619177.4), dbSNP rs1595084583, ClinGen allele CA389049429.
Genomic context (GRCh38, chr14:23,426,858, plus strand): 5'-GGATGATACAACGTACAAAGTGGGGATGGGTGGAGCGCAAGTTGGTCATCAGCTTGTTCA[G>T]ATTTTCCTGTGGCCAAAAATGCAATAGAGAAAAGTAAAGAAAATGCCAGAAAGAGATGCA-3'
Protein context (NP_000248.2, residues 645-665): QTVSALHREN[Leu655Met]NKLMTNLRST